The following is an entry in ClinVar:

ClinVar aggregate classification (germline): Uncertain significance. Review status: criteria provided, multiple submitters, no conflicts (2 of 4 stars). 2 submissions from 2 submitters: Uncertain significance (2). Last evaluated 2023-10-13.

Conditions:
Inborn genetic diseases. Identifiers: MedGen C0950123, MeSH D030342.
PCNT-related disorder. Also called: PCNT-related condition.

Allele frequency attached by ClinVar (database versions not stated): TOPMed 0.00001.
gnomAD v4.1: 5 of 1,612,558 alleles (0.00031%); highest among the groups gnomAD compares: East Asian, 0.0022%; no homozygotes.

Submissions (2):

PreventionGenetics, part of Exact Sciences
Classification: Uncertain significance for PCNT-related condition. Last evaluated: 2023-10-13. Review status: criteria provided, single submitter. Criteria: ACMG Guidelines, 2015. Collection method: clinical testing. Allele origin: germline.
Comment: The PCNT c.2494G>A variant is predicted to result in the amino acid substitution p.Asp832Asn. To our knowledge, this variant has not been reported in the literature. This variant is reported in 0.016% of alleles in individuals of East Asian descent in gnomAD. At this time, the clinical significance of this variant is uncertain due to the absence of conclusive functional and genetic evidence.

Ambry Genetics
Classification: Uncertain significance for Inborn genetic diseases. Last evaluated: 2023-02-28. Review status: criteria provided, single submitter. Criteria: Ambry Variant Classification Scheme 2023. Collection method: clinical testing. Allele origin: germline.

NM_006031.6(PCNT):c.2494G>A (p.Asp832Asn)

Gene: PCNT (pericentrin; plus strand). Cytogenetic location: 21q22.3.
Variant type: single nucleotide variant.
Coding change: c.2494G>A on transcript NM_006031.6 (MANE Select); coding-DNA position 2494, G replaced by A.
Protein change: p.Asp832Asn; replaces aspartic acid 832 with asparagine.
Molecular consequence: missense variant.
Genome position (GRCh38, 1-based): chr21:46,363,819, G>A. VCF-style: chr21-46363819-G-A. GRCh37 (hg19) VCF-style: chr21-47783734-G-A.
Other names: c.2140G>A, p.Asp714Asn (NM_001315529.2); short protein forms D832N, D714N.
Identifiers: ClinVar variation 2491631 (VCV002491631.3), dbSNP rs535351693, ClinGen allele CA10078983.